The following is an entry in ClinVar:

NM_005475.3(SH2B3):c.1024G>A (p.Ala342Thr)

Gene: SH2B3 (SH2B adaptor protein 3; plus strand). Cytogenetic location: 12q24.12.
Variant type: single nucleotide variant.
Coding change: c.1024G>A on transcript NM_005475.3 (MANE Select); coding-DNA position 1024, G replaced by A.
Protein change: p.Ala342Thr; replaces alanine 342 with threonine.
Molecular consequence: missense variant.
Genome position (GRCh38, 1-based): chr12:111,447,332, G>A. VCF-style: chr12-111447332-G-A. GRCh37 (hg19) VCF-style: chr12-111885136-G-A.
Other names: c.418G>A, p.Ala140Thr (NM_001291424.1); short protein forms A140T, A342T.
Identifiers: ClinVar variation 4630683 (VCV004630683.1).

ClinVar aggregate classification (germline): Uncertain significance (1 of 4 stars; one submission).

Conditions:
Inborn genetic diseases. Identifiers: MedGen C0950123, MeSH D030342.

Submission:

Ambry Genetics
Classification: Uncertain significance for Inborn genetic diseases. Last evaluated: 2025-09-18. Review status: criteria provided, single submitter. Criteria: Ambry Variant Classification Scheme 2023. Collection method: clinical testing. Allele origin: germline.
Comment: The p.A342T variant (also known as c.1024G>A), located in coding exon 5 of the SH2B3 gene, results from a G to A substitution at nucleotide position 1024. The alanine at codon 342 is replaced by threonine, an amino acid with similar properties. This amino acid position is conserved. In addition, this alteration is predicted to be tolerated by in silico analysis. Based on the available evidence, the clinical significance of this variant remains unclear.